The following is an entry in ClinVar:

NM_001199799.2(ILDR1):c.932G>A (p.Gly311Asp)

Gene: ILDR1 (immunoglobulin like domain containing receptor 1; minus strand). Cytogenetic location: 3q13.33.
Variant type: single nucleotide variant.
Coding change: c.932G>A on transcript NM_001199799.2 (MANE Select); coding-DNA position 932, G replaced by A.
Protein change: p.Gly311Asp; replaces glycine 311 with aspartic acid.
Molecular consequence: missense variant.
Genome position (GRCh38, 1-based): chr3:121,993,817, C>T on the plus strand (G>A on the coding strand, the complement: ILDR1 is on the minus strand). VCF-style: chr3-121993817-C-T. GRCh37 (hg19) VCF-style: chr3-121712664-C-T.
Other names: c.665G>A, p.Gly222Asp (NM_001199800.2); c.800G>A, p.Gly267Asp (NM_175924.4); short protein forms G222D, G267D, G311D.
Identifiers: ClinVar variation 4539984 (VCV004539984.1).
Genomic context (GRCh38, chr3:121,993,817, plus strand): 5'-TGGATGATTCTGCGTTCCACGACCTCAGAGCCCAGGGAGGACAGCATGCTGCAGGGATGG[C>T]CAAATCTGCCTTTGAGGTCAGGGGGCAGAGGCTGGGCCAGGTTGAGGTTCCGCAGTTCTT-3'
Protein context (NP_001186728.1, residues 301-321): PLPPDLKGRF[Gly311Asp]HPCSMLSSLG

ClinVar aggregate classification (germline): Uncertain significance (1 of 4 stars; one submission).

gnomAD v4.1: 15 of 1,614,086 alleles (0.00093%); highest among the groups gnomAD compares: African/African-American, 0.016%; no homozygotes.

Submission:

GeneDx
Classification: Uncertain significance. Last evaluated: 2025-06-28. Review status: criteria provided, single submitter. Criteria: GeneDx Variant Classification Process June 2021. Collection method: clinical testing. Allele origin: germline. Affected: yes.
Comment: In silico analysis suggests that this missense variant does not alter protein structure/function; Has not been previously published as pathogenic or benign to our knowledge